The following is an entry in ClinVar:

ClinVar aggregate classification (germline): Uncertain significance (1 of 4 stars; one submission).

Allele frequency attached by ClinVar (database versions not stated): gnomAD exomes 0.00001; ExAC 0.00003.
gnomAD v4.1: 10 of 1,606,412 alleles (0.00062%); highest among the groups gnomAD compares: African/African-American, 0.0013%; no homozygotes.

Submission:

Ambry Genetics
Classification: Uncertain significance. Last evaluated: 2022-08-10. Review status: criteria provided, single submitter. Criteria: Ambry Variant Classification Scheme 2023. Collection method: clinical testing. Allele origin: germline.
Comment: The p.V315M variant (also known as c.943G>A), located in coding exon 5 of the MYOM1 gene, results from a G to A substitution at nucleotide position 943. The valine at codon 315 is replaced by methionine, an amino acid with highly similar properties. This amino acid position is conserved. In addition, the in silico prediction for this alteration is inconclusive. Since supporting evidence is limited at this time, the clinical significance of this alteration remains unclear.

NM_003803.4(MYOM1):c.943G>A (p.Val315Met)

Gene: MYOM1 (myomesin 1; minus strand). Cytogenetic location: 18p11.31.
Variant type: single nucleotide variant.
Coding change: c.943G>A on transcript NM_003803.4 (MANE Select); coding-DNA position 943, G replaced by A.
Protein change: p.Val315Met; replaces valine 315 with methionine.
Molecular consequence: missense variant.
Genome position (GRCh38, 1-based): chr18:3,176,121, C>T on the plus strand (G>A on the coding strand, the complement: MYOM1 is on the minus strand). VCF-style: chr18-3176121-C-T. GRCh37 (hg19) VCF-style: chr18-3176119-C-T.
Other names: c.943G>A, p.Val315Met (NM_019856.2); short protein forms V315M.
Identifiers: ClinVar variation 1766968 (VCV001766968.2), dbSNP rs780656014, ClinGen allele CA8875120.